The following is an entry in ClinVar:

ClinVar aggregate classification (germline): Likely benign. Review status: criteria provided, multiple submitters, no conflicts (2 of 4 stars). 4 submissions from 4 submitters: Likely benign (2). 2 of the submissions do not count toward it. Last evaluated 2025-12-30.

Conditions:
MCCC2-related disorder. Also called: MCCC2-related condition.
Methylcrotonyl-CoA carboxylase deficiency. Also called: 3-MCC Deficiency; 3 Methylcrotonylglycinuria; Deficiency of methylcrotonoyl-CoA carboxylase. Identifiers: Orphanet 6, MedGen C4551505, MONDO:0018950.
3-methylcrotonyl-CoA carboxylase 2 deficiency. Also called: METHYLCROTONYLGLYCINURIA, TYPE II; 3 alpha methylcrotonyl-CoA carboxylase 2 deficiency; 3 alpha methylcrotonylglycinuria 2; MCC 2 deficiency; Methylcrotonylglycinuria type 2. Identifiers: Orphanet 6, MedGen C1859499, MONDO:0008862, OMIM 210210.

Allele frequency attached by ClinVar (database versions not stated): gnomAD 0.00005 and 0.00006; ExAC 0.00008; ESP Exome Variant Server 0.00008; gnomAD exomes 0.00008 and 0.00009; TOPMed 0.00009.
gnomAD v4.1: 139 of 1,613,898 alleles (0.0086%); highest among the groups gnomAD compares: Middle Eastern, 0.016%; 1 homozygote.

Submissions (4):

Labcorp Genetics (formerly Invitae), Labcorp
Classification: Likely benign for 3-methylcrotonyl-CoA carboxylase 2 deficiency. Last evaluated: 2025-12-30. Review status: criteria provided, single submitter. Criteria: Invitae Variant Classification Sherloc (09022015). Collection method: clinical testing. Allele origin: germline.

CeGaT Center for Human Genetics Tuebingen
Classification: Likely benign. Last evaluated: 2025-03-01. Review status: criteria provided, single submitter. Criteria: CeGaT Center For Human Genetics Tuebingen Variant Classification Criteria Version 2. Collection method: clinical testing. Allele origin: germline. Affected: yes. Observed: 1 variant allele.
Comment: MCCC2: BP4, BP7

PreventionGenetics, part of Exact Sciences
Classification: Likely benign for MCCC2-related condition. Last evaluated: 2022-08-09. Review status: no assertion criteria provided. Collection method: clinical testing. Allele origin: germline. Not counted in ClinVar's aggregate classification.
Comment: This variant is classified as likely benign based on ACMG/AMP sequence variant interpretation guidelines (Richards et al. 2015 PMID: 25741868, with internal and published modifications).

Natera, Inc.
Classification: Uncertain significance for 3-methylcrotonylglycinuria. Last evaluated: 2020-08-29. Review status: no assertion criteria provided. Collection method: clinical testing. Allele origin: germline. Not counted in ClinVar's aggregate classification.

NM_022132.5(MCCC2):c.417C>T (p.Thr139=)

Gene: MCCC2 (methylcrotonyl-CoA carboxylase subunit 2; plus strand). Cytogenetic location: 5q13.2.
Variant type: single nucleotide variant.
Coding change: c.417C>T on transcript NM_022132.5 (MANE Select); coding-DNA position 417, C replaced by T.
Protein change: p.Thr139=; no amino-acid change (threonine 139 retained).
Molecular consequence: synonymous variant.
Genome position (GRCh38, 1-based): chr5:71,602,539, C>T. VCF-style: chr5-71602539-C-T. GRCh37 (hg19) VCF-style: chr5-70898366-C-T.
Other names: c.417C>T, p.Thr139= (NM_001363147.1); c.417C>T (NM_022132.4).
Identifiers: ClinVar variation 991029 (VCV000991029.19), dbSNP rs367635502, ClinGen allele CA3297774.